The following is an entry in ClinVar:

ClinVar aggregate classification (germline): Conflicting classifications of pathogenicity. Review status: criteria provided, conflicting classifications (1 of 4 stars). 4 submissions from 4 submitters: Uncertain significance (3); Likely benign (1). Last evaluated 2025-11-02.

Conditions:
Cardiovascular phenotype. Identifiers: MedGen CN230736.
Catecholaminergic polymorphic ventricular tachycardia (CVPT). Also called: Catecholamine-induced polymorphic ventricular tachycardia. Identifiers: Orphanet 3286, MedGen C5574922, MONDO:0017990.
Catecholaminergic polymorphic ventricular tachycardia 1. Also called: RYR2-Related Catecholaminergic Polymorphic Ventricular Tachycardia; VENTRICULAR TACHYCARDIA, CATECHOLAMINERGIC POLYMORPHIC, 1, WITH OR WITHOUT ATRIAL DYSFUNCTION AND/OR DILATED CARDIOMYOPATHY; VENTRICULAR TACHYCARDIA, STRESS-INDUCED POLYMORPHIC 1. Identifiers: Orphanet 3286, MedGen C1631597, MONDO:0011484, OMIM 604772.
Cardiomyopathy (CMYO). Also called: Cardiomyopathies. Identifiers: Orphanet 167848, MedGen C0878544, MONDO:0004994, HP:0001638. Inheritance: Various modes of inheritance.

Allele frequency attached by ClinVar (database versions not stated): gnomAD 0.00001 and 0.00002; gnomAD exomes 0.00001 and 0.00002; ExAC 0.00002; TOPMed 0.00002; 1000 Genomes Project 30x 0.00031; 1000 Genomes Project 0.00040.
gnomAD v4.1: 19 of 1,606,274 alleles (0.0012%); highest among the groups gnomAD compares: East Asian, 0.011%; no homozygotes.

Submissions (4):

Labcorp Genetics (formerly Invitae), Labcorp
Classification: Likely benign for Catecholaminergic polymorphic ventricular tachycardia 1. Last evaluated: 2025-11-02. Review status: criteria provided, single submitter. Criteria: Invitae Variant Classification Sherloc (09022015). Collection method: clinical testing. Allele origin: germline.

All of Us Research Program, National Institutes of Health
Classification: Uncertain significance for Catecholaminergic polymorphic ventricular tachycardia. Last evaluated: 2024-05-09. Review status: criteria provided, single submitter. Criteria: ACMG Guidelines, 2015. Collection method: clinical testing. Allele origin: germline. Inheritance: Autosomal dominant inheritance. Observed: 4 variant alleles, 4 heterozygotes.
Comment: This missense variant replaces arginine with cysteine at codon 1482 of the RYR2 protein. Computational prediction suggests that this variant may not impact protein structure and function (internally defined REVEL score threshold <= 0.5, PMID: 27666373). To our knowledge, functional studies have not been reported for this variant. This variant has not been reported in individuals affected with cardiovascular disorders in the literature. This variant has been identified in 5/241012 chromosomes in the general population by the Genome Aggregation Database (gnomAD). The available evidence is insufficient to determine the role of this variant in disease conclusively. Therefore, this variant is classified as a Variant of Uncertain Significance.

This study involves interpretation of variants in research participants for the purpose of population health screening. Participant phenotype was not available at the time of variant classification. Additional details can be found in publication PMID: 35346344, PMCID: PMC8962531

Ambry Genetics
Classification: Uncertain significance for Cardiovascular phenotype. Last evaluated: 2023-08-24. Review status: criteria provided, single submitter. Criteria: Ambry Variant Classification Scheme 2023. Collection method: clinical testing. Allele origin: germline.
Comment: The p.R1482C variant (also known as c.4444C>T), located in coding exon 34 of the RYR2 gene, results from a C to T substitution at nucleotide position 4444. The arginine at codon 1482 is replaced by cysteine, an amino acid with highly dissimilar properties. This amino acid position is well conserved in available vertebrate species. In addition, this alteration is predicted to be tolerated by in silico analysis. Since supporting evidence is limited at this time, the clinical significance of this alteration remains unclear.

Color Diagnostics, LLC DBA Color Health
Classification: Uncertain significance for Cardiomyopathy. Last evaluated: 2023-07-31. Review status: criteria provided, single submitter. Criteria: ACMG Guidelines, 2015. Collection method: clinical testing. Allele origin: germline.
Comment: This missense variant replaces arginine with cysteine at codon 1482 of the RYR2 protein. Computational prediction suggests that this variant may not impact protein structure and function (internally defined REVEL score threshold <= 0.5, PMID: 27666373). To our knowledge, functional studies have not been reported for this variant. This variant has not been reported in individuals affected with RYR2-related disorders in the literature. This variant has been identified in 5/241012 chromosomes in the general population by the Genome Aggregation Database (gnomAD). The available evidence is insufficient to determine the role of this variant in disease conclusively. Therefore, this variant is classified as a Variant of Uncertain Significance.

Literature cited by the submitters: PubMed 28087566 (cited by Ambry Genetics).

NM_001035.3(RYR2):c.4444C>T (p.Arg1482Cys)

Gene: RYR2 (ryanodine receptor 2; plus strand). Cytogenetic location: 1q43.
Variant type: single nucleotide variant.
Coding change: c.4444C>T on transcript NM_001035.3 (MANE Select); coding-DNA position 4444, C replaced by T.
Protein change: p.Arg1482Cys; replaces arginine 1482 with cysteine.
Molecular consequence: missense variant.
Genome position (GRCh38, 1-based): chr1:237,595,505, C>T. VCF-style: chr1-237595505-C-T. GRCh37 (hg19) VCF-style: chr1-237758805-C-T.
Other names: c.4444C>T, p.Arg1482Cys (LRG_402t1); short protein forms R1482C.
Identifiers: ClinVar variation 519455 (VCV000519455.22), dbSNP rs564869863, ClinGen allele CA086623.